The following is an entry in ClinVar:

ClinVar aggregate classification (germline): Likely pathogenic. Review status: criteria provided, multiple submitters, no conflicts (2 of 4 stars). 2 submissions from 2 submitters: Likely pathogenic (2). Last evaluated 2021-03-30.

Conditions:
Gabriele de Vries syndrome. Identifiers: Orphanet 506358, MedGen C4479652, MONDO:0044738, OMIM 617557.

Submissions (2):

Baylor Genetics
Classification: Likely pathogenic for Gabriele de Vries syndrome. Last evaluated: 2021-03-30. Review status: criteria provided, single submitter. Criteria: ACMG Guidelines, 2015. Collection method: clinical testing. Allele origin: unknown.

Groupe Hospitalier Pitie Salpetriere, Uf Genomique Du Developpement, Assistance Publique Hopitaux de Paris Sorbonne Université
Classification: Likely pathogenic for Gabriele de Vries syndrome. Review status: criteria provided, single submitter. Criteria: ACMG Guidelines, 2015. Collection method: clinical testing. Allele origin: germline. Affected: yes.
Comment: This variant is located in a mutational hot spot and or critical functional domain without benign variation (PM1), absent or extremely rare in population databases (PM2_supp), a novel missense change at an amino acid residue where a different pathogenic missense change has been seen before (PM5), a missense variant in a gene with a low rate of benign missense variation where missense variants are a common disease mechanism (PP2) and reported as pathogenic by a reputable source though evidence isnt available for independent evaluation (PP5)

NM_003403.5(YY1):c.1112G>A (p.Arg371His)

Gene: YY1 (YY1 transcription factor; plus strand). Cytogenetic location: 14q32.2.
Variant type: single nucleotide variant.
Coding change: c.1112G>A on transcript NM_003403.5 (MANE Select); coding-DNA position 1112, G replaced by A.
Protein change: p.Arg371His; replaces arginine 371 with histidine.
Molecular consequence: missense variant.
Genome position (GRCh38, 1-based): chr14:100,277,467, G>A. VCF-style: chr14-100277467-G-A. GRCh37 (hg19) VCF-style: chr14-100743804-G-A.
Other names: short protein forms R371H.
Identifiers: ClinVar variation 2441948 (VCV002441948.2), dbSNP rs2549139334, ClinGen allele CA390969409.